The following is an entry in ClinVar:

NM_000540.3(RYR1):c.12428C>T (p.Ala4143Val)

Gene: RYR1 (ryanodine receptor 1; plus strand). Cytogenetic location: 19q13.2.
Variant type: single nucleotide variant.
Coding change: c.12428C>T on transcript NM_000540.3 (MANE Select); coding-DNA position 12428, C replaced by T.
Protein change: p.Ala4143Val; replaces alanine 4143 with valine.
Molecular consequence: missense variant.
Genome position (GRCh38, 1-based): chr19:38,561,258, C>T. VCF-style: chr19-38561258-C-T. GRCh37 (hg19) VCF-style: chr19-39051898-C-T.
Other names: c.12413C>T, p.Ala4138Val (NM_001042723.2); short protein forms A4138V, A4143V.
Identifiers: ClinVar variation 1005635 (VCV001005635.9), dbSNP rs760743396, ClinGen allele CA058876.
Genomic context (GRCh38, chr19:38,561,258, plus strand): 5'-ACTGCGAAGAGTTCGCCAACCGCTTCCAGGAGCCAGCACGCGACATCGGCTTCAACGTGG[C>T]GGTGCTGCTGACCAACCTGTCGGAGCATGTGCCGCATGACCCTCGCCTGCACAACTTCCT-3'
Protein context (NP_000531.2, residues 4133-4153): EPARDIGFNV[Ala4143Val]VLLTNLSEHV

ClinVar aggregate classification (germline): Uncertain significance. Review status: criteria provided, multiple submitters, no conflicts (2 of 4 stars). 3 submissions from 3 submitters: Uncertain significance (3). Last evaluated 2025-07-03.

Conditions:
RYR1-related disorder. Also called: RYR1-related disorders; RYR1-related condition. Identifiers: MedGen CN239331.
Malignant hyperthermia, susceptibility to, 1 (MHS1). Also called: RYR1-Related Malignant Hyperthermia Susceptibility; Anesthesia related hyperthermia; Malignant hyperpyrexia; Fulminating hyperpyrexia; Pharmacogenic myopathy; Malignant hyperthermia suceptibility 1. Identifiers: Orphanet 423, MedGen C2930980, MONDO:0007783, OMIM 145600.

Allele frequency attached by ClinVar (database versions not stated): gnomAD exomes 0.00001 and 0.00008; TOPMed 0.00003; ExAC 0.00012.
gnomAD v4.1: 19 of 1,614,056 alleles (0.0012%); highest among the groups gnomAD compares: East Asian, 0.042%; 1 homozygote.

Submissions (3):

Color Diagnostics, LLC DBA Color Health
Classification: Uncertain significance for Malignant hyperthermia, susceptibility to, 1. Last evaluated: 2025-07-03. Review status: criteria provided, single submitter. Criteria: ACMG Guidelines, 2015. Collection method: clinical testing. Allele origin: germline.
Comment: This missense variant replaces alanine with valine at codon 4143 of the RYR1 protein. Computational prediction suggests that this variant may have deleterious impact on protein structure and function. To our knowledge, functional studies have not been reported for this variant. This variant has not been reported in individuals affected with RYR1-related disorders in the literature. This variant has been identified in 19/250972 chromosomes in the general population by the Genome Aggregation Database (gnomAD). The available evidence is insufficient to determine the role of this variant in disease conclusively. Therefore, this variant is classified as a Variant of Uncertain Significance.

Labcorp Genetics (formerly Invitae), Labcorp
Classification: Uncertain significance for RYR1-related disorder. Last evaluated: 2024-12-25. Review status: criteria provided, single submitter. Criteria: Invitae Variant Classification Sherloc (09022015). Collection method: clinical testing. Allele origin: germline.
Comment: This sequence change replaces alanine, which is neutral and non-polar, with valine, which is neutral and non-polar, at codon 4143 of the RYR1 protein (p.Ala4143Val). This variant is present in population databases (rs760743396, gnomAD 0.09%). This missense change has been observed in individual(s) with periodic paralysis (PMID: 31068157). ClinVar contains an entry for this variant (Variation ID: 1005635). Invitae Evidence Modeling of protein sequence and biophysical properties (such as structural, functional, and spatial information, amino acid conservation, physicochemical variation, residue mobility, and thermodynamic stability) indicates that this missense variant is expected to disrupt RYR1 protein function with a positive predictive value of 80%. In summary, the available evidence is currently insufficient to determine the role of this variant in disease. Therefore, it has been classified as a Variant of Uncertain Significance.

All of Us Research Program, National Institutes of Health
Classification: Uncertain significance for Malignant hyperthermia, susceptibility to, 1. Last evaluated: 2024-09-23. Review status: criteria provided, single submitter. Criteria: ACMG Guidelines, 2015. Collection method: clinical testing. Allele origin: germline. Inheritance: Autosomal dominant inheritance. Observed: 3 variant alleles, 3 heterozygotes.
Comment: This study involves interpretation of variants in research participants for the purpose of population health screening. Participant phenotype was not available at the time of variant classification. Additional details can be found in publication PMID: 35346344, PMCID: PMC8962531

Literature cited by the submitters: PubMed 31068157 (cited by Labcorp Genetics (formerly Invitae), Labcorp).